The following is an entry in ClinVar:

ClinVar aggregate classification (germline): Uncertain significance. Review status: criteria provided, multiple submitters, no conflicts (2 of 4 stars). 2 submissions from 2 submitters: Uncertain significance (2). Last evaluated 2024-11-19.

Conditions:
Sandhoff disease. Also called: Beta-hexosaminidase-beta-subunit deficiency; GM2 gangliosidosis, type 2; Total hexosaminidase deficiency; Sandhoff-Jatzkewitz-Pilz disease; GM2-GANGLIOSIDOSIS, TYPE II; HEXOSAMINIDASES A AND B DEFICIENCY. Identifiers: Orphanet 796, MedGen C0036161, MONDO:0010006, OMIM 268800.
Inborn genetic diseases. Identifiers: MedGen C0950123, MeSH D030342.

Allele frequency attached by ClinVar (database versions not stated): gnomAD exomes below 0.00001; gnomAD 0.00001.
gnomAD v4.1: 2 of 1,554,942 alleles (0.00013%); highest among the groups gnomAD compares: East Asian, 0.0024%; no homozygotes.

Submissions (2):

Labcorp Genetics (formerly Invitae), Labcorp
Classification: Uncertain significance for Sandhoff disease. Last evaluated: 2024-11-19. Review status: criteria provided, single submitter. Criteria: Invitae Variant Classification Sherloc (09022015). Collection method: clinical testing. Allele origin: germline.
Comment: This sequence change replaces proline, which is neutral and non-polar, with serine, which is neutral and polar, at codon 12 of the HEXB protein (p.Pro12Ser). The frequency data for this variant in the population databases is considered unreliable, as metrics indicate poor data quality at this position in the gnomAD database. This variant has not been reported in the literature in individuals affected with HEXB-related conditions. ClinVar contains an entry for this variant (Variation ID: 2473883). Invitae Evidence Modeling of protein sequence and biophysical properties (such as structural, functional, and spatial information, amino acid conservation, physicochemical variation, residue mobility, and thermodynamic stability) indicates that this missense variant is not expected to disrupt HEXB protein function with a negative predictive value of 95%. In summary, the available evidence is currently insufficient to determine the role of this variant in disease. Therefore, it has been classified as a Variant of Uncertain Significance.

Ambry Genetics
Classification: Uncertain significance for Inborn genetic diseases. Last evaluated: 2023-01-06. Review status: criteria provided, single submitter. Criteria: Ambry Variant Classification Scheme 2023. Collection method: clinical testing. Allele origin: germline.

NM_000521.4(HEXB):c.34C>T (p.Pro12Ser)

Gene: HEXB (hexosaminidase subunit beta; plus strand). Cytogenetic location: 5q13.3.
Variant type: single nucleotide variant.
Coding change: c.34C>T on transcript NM_000521.4 (MANE Select); coding-DNA position 34, C replaced by T.
Protein change: p.Pro12Ser; replaces proline 12 with serine.
Molecular consequence: missense variant. On other transcripts: intron variant (1).
Genome position (GRCh38, 1-based): chr5:74,685,294, C>T. VCF-style: chr5-74685294-C-T. GRCh37 (hg19) VCF-style: chr5-73981119-C-T.
Other names: c.-376-4034C>T (NM_001292004.2); short protein forms P12S.
Identifiers: ClinVar variation 2473883 (VCV002473883.4), dbSNP rs1372034098, ClinGen allele CA360062001.